The following is an entry in ClinVar:

ClinVar aggregate classification (germline): Likely pathogenic (1 of 4 stars; one submission).

Submission:

Laboratorio de Genetica e Diagnostico Molecular, Hospital Israelita Albert Einstein
Classification: Likely pathogenic. Last evaluated: 2021-05-20. Review status: criteria provided, single submitter. Criteria: ACMG Guidelines, 2015. Collection method: clinical testing. Allele origin: germline. Affected: yes.
Comment: ACMG classification criteria: PVS1, PM2

NM_001356.5(DDX3X):c.234_235del (p.Gly80fs)

Gene: DDX3X (DEAD-box helicase 3 X-linked; plus strand). Cytogenetic location: Xp11.4.
Variant type: Deletion.
Coding change: c.234_235del on transcript NM_001356.5 (MANE Select); coding-DNA positions 234 to 235, 2 bases deleted (AA; older notation c.234_235delAA).
Protein change: p.Gly80fs; shifts the reading frame from glycine 80.
Molecular consequence: frameshift variant. On other transcripts: 5 prime UTR variant (1), non-coding transcript variant (1).
Genome position (GRCh38, 1-based): chrX:41,341,566-41,341,567, AA deleted. VCF-style (leftmost placement, unchanged base first): chrX-41341565-CAA-C. GRCh37 (hg19) VCF-style: chrX-41200818-CAA-C.
Other names: c.234_235del, p.Gly80fs (NM_001193416.3); c.186_187del, p.Gly64fs (NM_001193417.3); c.-325_-324del (NM_001363819.1); short protein forms G64fs, G80fs.
Identifiers: ClinVar variation 1690636 (VCV001690636.2), dbSNP rs2147348755, ClinGen allele CA2573158700.